The following is an entry in ClinVar:

ClinVar aggregate classification (germline): Uncertain significance. Review status: criteria provided, multiple submitters, no conflicts (2 of 4 stars). 2 submissions from 2 submitters: Uncertain significance (2). Last evaluated 2026-03-12.

Conditions:
Cardiovascular phenotype. Identifiers: MedGen CN230736.
Dilated cardiomyopathy 1W (CMD1W). Identifiers: Orphanet 154, MedGen C1969639, MONDO:0012667, OMIM 611407.

Allele frequency attached by ClinVar (database versions not stated): gnomAD 0.00001.
gnomAD v4.1: 2 of 1,614,054 alleles (0.00012%); highest among the groups gnomAD compares: African/African-American, 0.0027%; no homozygotes.

Submissions (2):

Ambry Genetics
Classification: Uncertain significance for Cardiovascular phenotype. Last evaluated: 2026-03-12. Review status: criteria provided, single submitter. Criteria: Ambry Variant Classification Scheme 2023. Collection method: clinical testing. Allele origin: germline.
Comment: The p.I244L variant (also known as c.730A>T), located in coding exon 6 of the VCL gene, results from an A to T substitution at nucleotide position 730. The isoleucine at codon 244 is replaced by leucine, an amino acid with highly similar properties. This amino acid position is conserved. In addition, the in silico prediction for this alteration is inconclusive. Based on the available evidence, the clinical significance of this variant remains unclear.

Labcorp Genetics (formerly Invitae), Labcorp
Classification: Uncertain significance for Dilated cardiomyopathy 1W. Last evaluated: 2025-06-02. Review status: criteria provided, single submitter. Criteria: Invitae Variant Classification Sherloc (09022015). Collection method: clinical testing. Allele origin: germline.
Comment: This sequence change replaces isoleucine, which is neutral and non-polar, with leucine, which is neutral and non-polar, at codon 244 of the VCL protein (p.Ile244Leu). The frequency data for this variant in the population databases is considered unreliable, as metrics indicate poor data quality at this position in the gnomAD database. This variant has not been reported in the literature in individuals affected with VCL-related conditions. ClinVar contains an entry for this variant (Variation ID: 2727733). An algorithm developed to predict the effect of missense changes on protein structure and function (PolyPhen-2) suggests that this variant is likely to be disruptive. In summary, the available evidence is currently insufficient to determine the role of this variant in disease. Therefore, it has been classified as a Variant of Uncertain Significance.

NM_014000.3(VCL):c.730A>T (p.Ile244Leu)

Gene: VCL (vinculin; plus strand). Cytogenetic location: 10q22.2.
Variant type: single nucleotide variant.
Coding change: c.730A>T on transcript NM_014000.3 (MANE Select); coding-DNA position 730, A replaced by T.
Protein change: p.Ile244Leu; replaces isoleucine 244 with leucine.
Molecular consequence: missense variant.
Genome position (GRCh38, 1-based): chr10:74,074,850, A>T. VCF-style: chr10-74074850-A-T. GRCh37 (hg19) VCF-style: chr10-75834608-A-T.
Other names: c.730A>T, p.Ile244Leu (NM_003373.4); short protein forms I244L.
Identifiers: ClinVar variation 2727733 (VCV002727733.4), dbSNP rs1420120078, ClinGen allele CA377268445.